The following is an entry in ClinVar:

ClinVar aggregate classification (germline): Uncertain significance. Review status: criteria provided, multiple submitters, no conflicts (2 of 4 stars). 5 submissions from 5 submitters: Uncertain significance (2). 3 of the submissions do not count toward it. Last evaluated 2026-03-05.

Conditions:
Dilated cardiomyopathy 1W (CMD1W). Identifiers: Orphanet 154, MedGen C1969639, MONDO:0012667, OMIM 611407.

Allele frequency attached by ClinVar (database versions not stated): TOPMed 0.00001.

Submissions (5):

GeneDx
Classification: Uncertain significance. Last evaluated: 2026-03-05. Review status: criteria provided, single submitter. Criteria: GeneDx Variant Classification Process June 2021. Collection method: clinical testing. Allele origin: germline.
Comment: Not observed at significant frequency in large population cohorts (gnomAD); In silico analysis suggests that this missense variant does not alter protein structure/function; Has not been previously published as pathogenic or benign to our knowledge

Labcorp Genetics (formerly Invitae), Labcorp
Classification: Uncertain significance for Dilated cardiomyopathy 1W. Last evaluated: 2024-01-04. Review status: criteria provided, single submitter. Criteria: Invitae Variant Classification Sherloc (09022015). Collection method: clinical testing. Allele origin: germline.
Comment: This sequence change replaces arginine, which is basic and polar, with glutamine, which is neutral and polar, at codon 759 of the VCL protein (p.Arg759Gln). This variant is not present in population databases (gnomAD no frequency). This variant has not been reported in the literature in individuals affected with VCL-related conditions. ClinVar contains an entry for this variant (Variation ID: 468815). An algorithm developed to predict the effect of missense changes on protein structure and function (PolyPhen-2) suggests that this variant is likely to be disruptive. In summary, the available evidence is currently insufficient to determine the role of this variant in disease. Therefore, it has been classified as a Variant of Uncertain Significance.

Diagnostic Laboratory, Department of Genetics, University Medical Center Groningen
Classification: Uncertain significance. Review status: no assertion criteria provided. Collection method: clinical testing. Allele origin: germline. Affected: yes. Study: VKGL Data-share Consensus. Not counted in ClinVar's aggregate classification.

Genome Diagnostics Laboratory, University Medical Center Utrecht
Classification: Uncertain significance. Review status: no assertion criteria provided. Collection method: clinical testing. Allele origin: germline. Affected: yes. Study: VKGL Data-share Consensus. Not counted in ClinVar's aggregate classification.

Joint Genome Diagnostic Labs from Nijmegen and Maastricht, Radboudumc and MUMC+
Classification: Uncertain significance. Review status: no assertion criteria provided. Collection method: clinical testing. Allele origin: germline. Affected: yes. Study: VKGL Data-share Consensus. Not counted in ClinVar's aggregate classification.

NM_014000.3(VCL):c.2276G>A (p.Arg759Gln)

Gene: VCL (vinculin; plus strand). Cytogenetic location: 10q22.2.
Variant type: single nucleotide variant.
Coding change: c.2276G>A on transcript NM_014000.3 (MANE Select); coding-DNA position 2276, G replaced by A.
Protein change: p.Arg759Gln; replaces arginine 759 with glutamine.
Molecular consequence: missense variant.
Genome position (GRCh38, 1-based): chr10:74,105,195, G>A. VCF-style: chr10-74105195-G-A. GRCh37 (hg19) VCF-style: chr10-75864953-G-A.
Other names: c.2276G>A, p.Arg759Gln (NM_003373.4); short protein forms R759Q.
Identifiers: ClinVar variation 468815 (VCV000468815.13), dbSNP rs1425397914, ClinGen allele CA377262346.
Genomic context (GRCh38, chr10:74,105,195, plus strand): 5'-TAGCTATGGCCAACATTCAGCCTCAGATGCTGGTTGCTGGGGCAACCAGTATTGCTCGTC[G>A]GGCCAACCGGATCCTGCTGGTGGCTAAGAGGGAGGTGGAGAATTCCGAGGATCCCAAGTT-3'
Protein context (NP_054706.1, residues 749-769): LVAGATSIAR[Arg759Gln]ANRILLVAKR